The following is an entry in ClinVar:

NM_012418.4(FSCN2):c.1025G>A (p.Arg342Gln)

Gene: FSCN2 (fascin actin-bundling protein 2, retinal; plus strand). Cytogenetic location: 17q25.3.
Variant type: single nucleotide variant.
Coding change: c.1025G>A on transcript NM_012418.4 (MANE Select); coding-DNA position 1025, G replaced by A.
Protein change: p.Arg342Gln; replaces arginine 342 with glutamine.
Molecular consequence: missense variant.
Genome position (GRCh38, 1-based): chr17:81,536,187, G>A. VCF-style: chr17-81536187-G-A. GRCh37 (hg19) VCF-style: chr17-79503213-G-A.
Other names: c.1025G>A, p.Arg342Gln (NM_001077182.3); short protein forms R342Q.
Identifiers: ClinVar variation 522327 (VCV000522327.11), dbSNP rs374441539, ClinGen allele CA8836931.

ClinVar aggregate classification (germline): Uncertain significance. Review status: criteria provided, multiple submitters, no conflicts (2 of 4 stars). 3 submissions from 3 submitters: Uncertain significance (2). 1 of the submissions does not count toward it. Last evaluated 2025-12-24.

Conditions:
Retinitis pigmentosa 30 (RP30). Identifiers: Orphanet 791, MedGen C1842816, MONDO:0011935, OMIM 607921.

Allele frequency attached by ClinVar (database versions not stated): gnomAD exomes 0.00005 and 0.00009; TOPMed 0.00006; gnomAD 0.00007; ESP Exome Variant Server 0.00008; ExAC 0.00016.
gnomAD v4.1: 98 of 1,601,692 alleles (0.0061%); highest among the groups gnomAD compares: Middle Eastern, 0.033%; no homozygotes.

Submissions (3):

Labcorp Genetics (formerly Invitae), Labcorp
Classification: Uncertain significance. Last evaluated: 2025-12-24. Review status: criteria provided, single submitter. Criteria: Invitae Variant Classification Sherloc (09022015). Collection method: clinical testing. Allele origin: germline.
Comment: This sequence change replaces arginine, which is basic and polar, with glutamine, which is neutral and polar, at codon 342 of the FSCN2 protein (p.Arg342Gln). This variant is present in population databases (rs374441539, gnomAD 0.02%). This variant has not been reported in the literature in individuals affected with FSCN2-related conditions. ClinVar contains an entry for this variant (Variation ID: 522327). An algorithm developed to predict the effect of missense changes on protein structure and function (PolyPhen-2) suggests that this variant is likely to be tolerated. In summary, the available evidence is currently insufficient to determine the role of this variant in disease. Therefore, it has been classified as a Variant of Uncertain Significance.

Clinical Genetics DNA and cytogenetics Diagnostics Lab, Erasmus MC, Erasmus Medical Center
Classification: Uncertain significance for Retinitis pigmentosa 30. Last evaluated: 2016-12-07. Review status: criteria provided, single submitter. Criteria: ACGS Guidelines, 2013. Collection method: clinical testing. Allele origin: germline. Affected: yes. Study: VKGL Data-share Consensus.

Clinical Genetics, Academic Medical Center
Classification: Uncertain significance. Review status: no assertion criteria provided. Collection method: clinical testing. Allele origin: germline. Affected: yes. Study: VKGL Data-share Consensus. Not counted in ClinVar's aggregate classification.